The following is an entry in ClinVar:

NM_017999.5(RNF31):c.974G>A (p.Arg325Gln)

Gene: RNF31 (ring finger protein 31; plus strand). Cytogenetic location: 14q12.
Variant type: single nucleotide variant.
Coding change: c.974G>A on transcript NM_017999.5 (MANE Select); coding-DNA position 974, G replaced by A.
Protein change: p.Arg325Gln; replaces arginine 325 with glutamine.
Molecular consequence: missense variant.
Genome position (GRCh38, 1-based): chr14:24,150,225, G>A. VCF-style: chr14-24150225-G-A. GRCh37 (hg19) VCF-style: chr14-24619434-G-A.
Other names: c.521G>A, p.Arg174Gln (NM_001310332.2); short protein forms R174Q, R325Q.
Identifiers: ClinVar variation 1519399 (VCV001519399.8), dbSNP rs762163911, ClinGen allele CA7125672.
Genomic context (GRCh38, chr14:24,150,225, plus strand): 5'-ACTGTGCTGCCTGTGCCATGCTAAATGAGCCTTGGGCAGTGCTCTGTGTGGCCTGTGATC[G>A]GCCCCGAGGCTGTAAGGGGTTGGGGTTGGGAACTGAGGGTCCCCAAGGAACTGGAGGCCT-3'
Protein context (NP_060469.4, residues 315-335): PWAVLCVACD[Arg325Gln]PRGCKGLGLG

ClinVar aggregate classification (germline): Uncertain significance (1 of 4 stars; one submission).

Allele frequency attached by ClinVar (database versions not stated): TOPMed below 0.00001; ExAC 0.00001; gnomAD 0.00001; gnomAD exomes 0.00001 and 0.00002.
gnomAD v4.1: 28 of 1,614,054 alleles (0.0017%); highest among the groups gnomAD compares: Admixed American, 0.005%; no homozygotes.

Submission:

Labcorp Genetics (formerly Invitae), Labcorp
Classification: Uncertain significance. Last evaluated: 2022-02-04. Review status: criteria provided, single submitter. Criteria: Invitae Variant Classification Sherloc (09022015). Collection method: clinical testing. Allele origin: germline.
Comment: In summary, the available evidence is currently insufficient to determine the role of this variant in disease. Therefore, it has been classified as a Variant of Uncertain Significance. Algorithms developed to predict the effect of sequence changes on RNA splicing suggest that this variant may create or strengthen a splice site. Algorithms developed to predict the effect of missense changes on protein structure and function output the following: SIFT: "Tolerated"; PolyPhen-2: "Benign"; Align-GVGD: "Class C0". The glutamine amino acid residue is found in multiple mammalian species, which suggests that this missense change does not adversely affect protein function. This variant has not been reported in the literature in individuals affected with RNF31-related conditions. This variant is present in population databases (rs762163911, gnomAD 0.006%). This sequence change replaces arginine, which is basic and polar, with glutamine, which is neutral and polar, at codon 325 of the RNF31 protein (p.Arg325Gln).